The following is an entry in ClinVar:

NM_002474.3(MYH11):c.2059T>G (p.Ser687Ala)

Gene: MYH11 (myosin heavy chain 11; minus strand). Cytogenetic location: 16p13.11.
Variant type: single nucleotide variant.
Coding change: c.2059T>G on transcript NM_002474.3 (MANE Select); coding-DNA position 2059, T replaced by G.
Protein change: p.Ser687Ala; replaces serine 687 with alanine.
Molecular consequence: missense variant.
Genome position (GRCh38, 1-based): chr16:15,748,168, A>C on the plus strand (T>G on the coding strand, the complement: MYH11 is on the minus strand). VCF-style: chr16-15748168-A-C. GRCh37 (hg19) VCF-style: chr16-15842025-A-C.
Other names: c.2080T>G, p.Ser694Ala (NM_001040113.2, NM_001040114.2); c.2059T>G, p.Ser687Ala (NM_022844.3); short protein forms S694A, S687A.
Identifiers: ClinVar variation 2882957 (VCV002882957.4), dbSNP rs201595066, ClinGen allele CA278637103.

ClinVar aggregate classification (germline): Uncertain significance. Review status: criteria provided, multiple submitters, no conflicts (2 of 4 stars). 2 submissions from 2 submitters: Uncertain significance (2). Last evaluated 2024-05-31.

Conditions:
Aortic aneurysm, familial thoracic 4 (AAT4). Also called: AORTIC ANEURYSM/AORTIC DISSECTION AND PATENT DUCTUS ARTERIOSUS. Identifiers: MedGen C1851504, MONDO:0007568, OMIM 132900.
Familial thoracic aortic aneurysm and aortic dissection (TAAD). Also called: Thoracic aortic aneurysms and dissections. Identifiers: Orphanet 91387, MedGen C4707243, MONDO:0019625.

Allele frequency attached by ClinVar (database versions not stated): gnomAD exomes below 0.00001.
gnomAD v4.1: 1 of 1,613,692 alleles (0.000062%); highest among the groups gnomAD compares: Non-Finnish European, 0.000085%; no homozygotes.

Submissions (2):

Labcorp Genetics (formerly Invitae), Labcorp
Classification: Uncertain significance for Aortic aneurysm, familial thoracic 4. Last evaluated: 2024-05-31. Review status: criteria provided, single submitter. Criteria: Invitae Variant Classification Sherloc (09022015). Collection method: clinical testing. Allele origin: germline.
Comment: This sequence change replaces serine, which is neutral and polar, with alanine, which is neutral and non-polar, at codon 694 of the MYH11 protein (p.Ser694Ala). This variant is not present in population databases (gnomAD no frequency). This variant has not been reported in the literature in individuals affected with MYH11-related conditions. An algorithm developed to predict the effect of missense changes on protein structure and function (PolyPhen-2) suggests that this variant is likely to be tolerated. In summary, the available evidence is currently insufficient to determine the role of this variant in disease. Therefore, it has been classified as a Variant of Uncertain Significance.

All of Us Research Program, National Institutes of Health
Classification: Uncertain significance for Familial thoracic aortic aneurysm and aortic dissection. Last evaluated: 2023-08-15. Review status: criteria provided, single submitter. Criteria: ACMG Guidelines, 2015. Collection method: clinical testing. Allele origin: germline. Inheritance: Autosomal dominant inheritance. Observed: 2 variant alleles, 2 heterozygotes.
Comment: This study involves interpretation of variants in research participants for the purpose of population health screening. Participant phenotype was not available at the time of variant classification. Additional details can be found in publication PMID: 35346344, PMCID: PMC8962531